The following is an entry in ClinVar:

NM_031475.3(ESPN):c.518C>T (p.Ala173Val)

Gene: ESPN (espin; plus strand). Cytogenetic location: 1p36.31.
Variant type: single nucleotide variant.
Coding change: c.518C>T on transcript NM_031475.3 (MANE Select); coding-DNA position 518, C replaced by T.
Protein change: p.Ala173Val; replaces alanine 173 with valine.
Molecular consequence: missense variant.
Genome position (GRCh38, 1-based): chr1:6,440,283, C>T. VCF-style: chr1-6440283-C-T. GRCh37 (hg19) VCF-style: chr1-6500343-C-T.
Other names: c.518C>T, p.Ala173Val (NM_001367473.1, NM_001367474.1); short protein forms A173V.
Identifiers: ClinVar variation 1214312 (VCV001214312.9), dbSNP rs368890910, ClinGen allele CA559927.

ClinVar aggregate classification (germline): Benign/Likely benign. Review status: criteria provided, multiple submitters, no conflicts (2 of 4 stars). 4 submissions from 4 submitters: Benign (1); Likely benign (2). 1 of the submissions does not count toward it. Last evaluated 2024-06-13.

Conditions:
ESPN-related disorder. Also called: ESPN-related condition.

Allele frequency attached by ClinVar (database versions not stated): ESP Exome Variant Server 0.00008; gnomAD exomes 0.00008 and 0.00026; gnomAD 0.00016 and 0.00017; TOPMed 0.00017; ExAC 0.00053.
gnomAD v4.1: 151 of 1,551,306 alleles (0.0097%); highest among the groups gnomAD compares: Middle Eastern, 0.037%; no homozygotes.

Submissions (4):

Blueprint Genetics
Classification: Benign. Last evaluated: 2024-06-13. Review status: criteria provided, single submitter. Criteria: ACMG Guidelines, 2015. Collection method: clinical testing. Allele origin: germline.

Labcorp Genetics (formerly Invitae), Labcorp
Classification: Likely benign. Last evaluated: 2023-11-04. Review status: criteria provided, single submitter. Criteria: Invitae Variant Classification Sherloc (09022015). Collection method: clinical testing. Allele origin: germline.

GeneDx
Classification: Likely benign. Last evaluated: 2018-11-21. Review status: criteria provided, single submitter. Criteria: GeneDx Variant Classification Process June 2021. Collection method: clinical testing. Allele origin: germline. Affected: yes.

PreventionGenetics, part of Exact Sciences
Classification: Likely benign for ESPN-related condition. Last evaluated: 2023-09-19. Review status: no assertion criteria provided. Collection method: clinical testing. Allele origin: germline. Not counted in ClinVar's aggregate classification.
Comment: This variant is classified as likely benign based on ACMG/AMP sequence variant interpretation guidelines (Richards et al. 2015 PMID: 25741868, with internal and published modifications).